The following is an entry in ClinVar:

NM_032193.4(RNASEH2C):c.468+5G>C

Gene: RNASEH2C (ribonuclease H2 subunit C; minus strand). Cytogenetic location: 11q13.1.
Variant type: single nucleotide variant.
Coding change: c.468+5G>C on transcript NM_032193.4 (MANE Select); 5 bases into the intron after coding-DNA position 468, G replaced by C.
Molecular consequence: intron variant.
Genome position (GRCh38, 1-based): chr11:65,720,040, C>G on the plus strand (G>C on the coding strand, the complement: RNASEH2C is on the minus strand). VCF-style: chr11-65720040-C-G. GRCh37 (hg19) VCF-style: chr11-65487511-C-G.
Identifiers: ClinVar variation 305360 (VCV000305360.9), dbSNP rs753880827, ClinGen allele CA6107677.

ClinVar aggregate classification (germline): Uncertain significance. Review status: criteria provided, multiple submitters, no conflicts (2 of 4 stars). 4 submissions from 4 submitters: Uncertain significance (4). Last evaluated 2026-05-10.

Conditions:
Aicardi-Goutieres syndrome 3. Identifiers: Orphanet 51, MedGen C1835916, MONDO:0012471, OMIM 610329.
Inborn genetic diseases. Identifiers: MedGen C0950123, MeSH D030342.

Allele frequency attached by ClinVar (database versions not stated): TOPMed 0.00003.

Submissions (4):

Women's Health and Genetics/Laboratory Corporation of America, LabCorp
Classification: Uncertain significance. Last evaluated: 2026-05-10. Review status: criteria provided, single submitter. Criteria: LabCorp Variant Classification Summary - May 2015. Collection method: clinical testing. Allele origin: germline.

Labcorp Genetics (formerly Invitae), Labcorp
Classification: Uncertain significance for Aicardi-Goutieres syndrome 3. Last evaluated: 2022-06-22. Review status: criteria provided, single submitter. Criteria: Invitae Variant Classification Sherloc (09022015). Collection method: clinical testing. Allele origin: germline.
Comment: This sequence change falls in intron 3 of the RNASEH2C gene. It does not directly change the encoded amino acid sequence of the RNASEH2C protein. It affects a nucleotide within the consensus splice site. This variant is present in population databases (rs753880827, gnomAD 0.01%). This variant has not been reported in the literature in individuals affected with RNASEH2C-related conditions. ClinVar contains an entry for this variant (Variation ID: 305360). Variants that disrupt the consensus splice site are a relatively common cause of aberrant splicing (PMID: 17576681, 9536098). Algorithms developed to predict the effect of sequence changes on RNA splicing suggest that this variant may disrupt the consensus splice site. In summary, the available evidence is currently insufficient to determine the role of this variant in disease. Therefore, it has been classified as a Variant of Uncertain Significance.

Ambry Genetics
Classification: Uncertain significance for Inborn genetic diseases. Last evaluated: 2022-05-31. Review status: criteria provided, single submitter. Criteria: Ambry Variant Classification Scheme 2023. Collection method: clinical testing. Allele origin: germline.
Comment: The c.468+5G>C intronic alteration consists of a G to C substitution 5 nucleotides after exon 3 of the RNASEH2C gene. Based on insufficient or conflicting evidence, the clinical significance of this alteration remains unclear.

Illumina Laboratory Services, Illumina
Classification: Uncertain significance for Aicardi-Goutieres syndrome 3. Last evaluated: 2018-01-12. Review status: criteria provided, single submitter. Criteria: ICSL Variant Classification Criteria 13 December 2019. Collection method: clinical testing. Allele origin: germline.

Literature cited by the submitters: PubMed 17576681 (cited by Labcorp Genetics (formerly Invitae), Labcorp); PubMed 9536098 (cited by Labcorp Genetics (formerly Invitae), Labcorp).